The following is an entry in ClinVar:

ClinVar aggregate classification (germline): Uncertain significance. Review status: criteria provided, multiple submitters, no conflicts (2 of 4 stars). 2 submissions from 2 submitters: Uncertain significance (2). Last evaluated 2026-06-01.

Conditions:
Cardiovascular phenotype. Identifiers: MedGen CN230736.
Hereditary cancer-predisposing syndrome. Also called: Hereditary neoplastic syndrome; Neoplastic Syndromes, Hereditary; Tumor predisposition; Hereditary Cancer Syndrome. Identifiers: Orphanet 140162, MedGen C0027672, MeSH D009386, MONDO:0015356.
Neurofibromatosis, type 1 (NF1). Also called: Peripheral type neurofibromatosis; NEUROFIBROMATOSIS, TYPE I, SOMATIC; Neurofibromatosis, type I; VON RECKLINGHAUSEN DISEASE. Identifiers: Orphanet 636, MedGen C0027831, MONDO:0018975, OMIM 162200. Disease mechanism: loss of function.

Submissions (2):

Ambry Genetics
Classification: Uncertain significance for Cardiovascular phenotype; Hereditary cancer-predisposing syndrome. Last evaluated: 2026-06-01. Review status: criteria provided, single submitter. Criteria: Ambry Variant Classification Scheme 2023. Collection method: clinical testing. Allele origin: germline.
Comment: The p.S2251T variant (also known as c.6752G>C), located in coding exon 44 of the NF1 gene, results from a G to C substitution at nucleotide position 6752. The serine at codon 2251 is replaced by threonine, an amino acid with similar properties. This amino acid position is highly conserved in available vertebrate species. In addition, the in silico prediction for this alteration is inconclusive. Based on the available evidence, the clinical significance of this variant remains unclear.

Labcorp Genetics (formerly Invitae), Labcorp
Classification: Uncertain significance for Neurofibromatosis, type 1. Last evaluated: 2023-02-21. Review status: criteria provided, single submitter. Criteria: Invitae Variant Classification Sherloc (09022015). Collection method: clinical testing. Allele origin: germline.
Comment: Advanced modeling of protein sequence and biophysical properties (such as structural, functional, and spatial information, amino acid conservation, physicochemical variation, residue mobility, and thermodynamic stability) has been performed at Invitae for this missense variant, however the output from this modeling did not meet the statistical confidence thresholds required to predict the impact of this variant on NF1 protein function. In summary, the available evidence is currently insufficient to determine the role of this variant in disease. Therefore, it has been classified as a Variant of Uncertain Significance. This variant has not been reported in the literature in individuals affected with NF1-related conditions. This variant is not present in population databases (gnomAD no frequency). This sequence change replaces serine, which is neutral and polar, with threonine, which is neutral and polar, at codon 2251 of the NF1 protein (p.Ser2251Thr).

NM_001042492.3(NF1):c.6815G>C (p.Ser2272Thr)

Gene: NF1 (neurofibromin 1; plus strand). Cytogenetic location: 17q11.2.
Variant type: single nucleotide variant.
Coding change: c.6815G>C on transcript NM_001042492.3 (MANE Select); coding-DNA position 6815, G replaced by C.
Protein change: p.Ser2272Thr; replaces serine 2272 with threonine.
Molecular consequence: missense variant.
Genome position (GRCh38, 1-based): chr17:31,338,135, G>C. VCF-style: chr17-31338135-G-C. GRCh37 (hg19) VCF-style: chr17-29665153-G-C.
Other names: c.6752G>C, p.Ser2251Thr (NM_000267.4); short protein forms S2251T, S2272T.
Identifiers: ClinVar variation 2838090 (VCV002838090.4), dbSNP rs2508759841, ClinGen allele CA399014215.
Genomic context (GRCh38, chr17:31,338,135, plus strand): 5'-TTGGGTGTATTAGCAAACGAGTGTCTCATGGGCAGATAAAGCAGATAATCCGTATTCTTA[G>C]CAAGGTACCTGTTCCGCCCTCACTTCTCCCAAATATTTATGGTTCTCAAGTTGTAAAGCA-3'
Protein context (NP_001035957.1, residues 2262-2282): GQIKQIIRIL[Ser2272Thr]KALESCLKGP